The following is an entry in ClinVar:

ClinVar aggregate classification (germline): Uncertain significance (1 of 4 stars; one submission).

Submission:

GeneDx
Classification: Uncertain significance. Last evaluated: 2025-02-11. Review status: criteria provided, single submitter. Criteria: GeneDx Variant Classification Process June 2021. Collection method: clinical testing. Allele origin: germline. Affected: yes.
Comment: Not observed at significant frequency in large population cohorts (gnomAD); In silico analysis supports that this missense variant has a deleterious effect on protein structure/function; Has not been previously published as pathogenic or benign to our knowledge

NM_003923.3(FOXH1):c.250A>C (p.Asn84His)

Gene: FOXH1 (forkhead box H1; minus strand). Cytogenetic location: 8q24.3.
Variant type: single nucleotide variant.
Coding change: c.250A>C on transcript NM_003923.3 (MANE Select); coding-DNA position 250, A replaced by C.
Protein change: p.Asn84His; replaces asparagine 84 with histidine.
Molecular consequence: missense variant.
Genome position (GRCh38, 1-based): chr8:144,475,186, T>G on the plus strand (A>C on the coding strand, the complement: FOXH1 is on the minus strand). VCF-style: chr8-144475186-T-G. GRCh37 (hg19) VCF-style: chr8-145700569-T-G.
Other names: short protein forms N84H.
Identifiers: ClinVar variation 4074333 (VCV004074333.1).